The following is an entry in ClinVar:

ClinVar aggregate classification (germline): Uncertain significance (1 of 4 stars; one submission).

Conditions:
Alstrom syndrome (ALMS). Identifiers: Orphanet 64, MedGen C0268425, MONDO:0008763, OMIM 203800.

gnomAD v4.1: 2 of 1,613,792 alleles (0.00012%); highest among the groups gnomAD compares: Non-Finnish European, 0.00017%; no homozygotes.

Submission:

Labcorp Genetics (formerly Invitae), Labcorp
Classification: Uncertain significance for Alstrom syndrome. Last evaluated: 2024-07-26. Review status: criteria provided, single submitter. Criteria: Invitae Variant Classification Sherloc (09022015). Collection method: clinical testing. Allele origin: germline.
Comment: This sequence change replaces alanine, which is neutral and non-polar, with proline, which is neutral and non-polar, at codon 2240 of the ALMS1 protein (p.Ala2240Pro). This variant is not present in population databases (gnomAD no frequency). This variant has not been reported in the literature in individuals affected with ALMS1-related conditions. Experimental studies and prediction algorithms are not available or were not evaluated, and the functional significance of this variant is currently unknown. In summary, the available evidence is currently insufficient to determine the role of this variant in disease. Therefore, it has been classified as a Variant of Uncertain Significance.

NM_001378454.1(ALMS1):c.6715G>C (p.Ala2239Pro)

Gene: ALMS1 (ALMS1 centrosome and basal body associated protein; plus strand). Cytogenetic location: 2p13.1.
Variant type: single nucleotide variant.
Coding change: c.6715G>C on transcript NM_001378454.1 (MANE Select); coding-DNA position 6715, G replaced by C.
Protein change: p.Ala2239Pro; replaces alanine 2239 with proline.
Molecular consequence: missense variant.
Genome position (GRCh38, 1-based): chr2:73,453,242, G>C. VCF-style: chr2-73453242-G-C. GRCh37 (hg19) VCF-style: chr2-73680369-G-C.
Other names: c.6718G>C, p.Ala2240Pro (NM_015120.4); short protein forms A2240P, A2239P.
Identifiers: ClinVar variation 3707747 (VCV003707747.1).
Genomic context (GRCh38, chr2:73,453,242, plus strand): 5'-AATAATGTGCTTTTAAATTCTCAGGCTGATGACAGAGTTGTAATAAATAAACCAGAATCT[G>C]CAGGTTTTAGAGATGTTGGCTCTGAAGAAATCCAGGATGCAGAAAATAGTGCTAAAACTC-3'
Protein context (NP_001365383.1, residues 2229-2249): DRVVINKPES[Ala2239Pro]GFRDVGSEEI